The following is an entry in ClinVar:

NM_001370298.3(FGD4):c.1098T>G (p.Asp366Glu)

Gene: FGD4 (FYVE, RhoGEF and PH domain containing 4; plus strand). Cytogenetic location: 12p11.21.
Variant type: single nucleotide variant.
Coding change: c.1098T>G on transcript NM_001370298.3 (MANE Select); coding-DNA position 1098, T replaced by G.
Protein change: p.Asp366Glu; replaces aspartic acid 366 with glutamic acid.
Molecular consequence: missense variant. On other transcripts: 5 prime UTR variant (2).
Genome position (GRCh38, 1-based): chr12:32,598,583, T>G. VCF-style: chr12-32598583-T-G. GRCh37 (hg19) VCF-style: chr12-32751517-T-G.
Other names: c.942T>G, p.Asp314Glu (NM_001304481.2); c.-158T>G (NM_001304483.2); c.-465T>G (NM_001304484.2); c.408T>G, p.Asp136Glu (NM_001330373.2, NM_001330374.2, NM_001384130.1); c.135T>G, p.Asp45Glu (NM_001370297.1); c.1098T>G, p.Asp366Glu (NM_001384126.1); c.687T>G, p.Asp229Glu (NM_001384127.1, NM_001384128.1, NM_001385118.1 and 1 more transcripts); short protein forms D314E, D136E, D366E, D45E, D229E.
Identifiers: ClinVar variation 1358449 (VCV001358449.6), dbSNP rs765738675, ClinGen allele CA6506692.

ClinVar aggregate classification (germline): Uncertain significance (1 of 4 stars; one submission).

Conditions:
Charcot-Marie-Tooth disease type 4. Also called: Charcot-Marie-Tooth disease, type IV; Charcot-Marie-Tooth, Type 4. Identifiers: Orphanet 64749, MedGen C4082197, MONDO:0018995.

Allele frequency attached by ClinVar (database versions not stated): gnomAD 0.00001; TOPMed 0.00001.
gnomAD v4.1: 15 of 1,610,506 alleles (0.00093%); no homozygotes.

Submission:

Labcorp Genetics (formerly Invitae), Labcorp
Classification: Uncertain significance for Charcot-Marie-Tooth disease type 4. Last evaluated: 2021-10-19. Review status: criteria provided, single submitter. Criteria: Invitae Variant Classification Sherloc (09022015). Collection method: clinical testing. Allele origin: germline.
Comment: In summary, the available evidence is currently insufficient to determine the role of this variant in disease. Therefore, it has been classified as a Variant of Uncertain Significance. This sequence change replaces aspartic acid, which is acidic and polar, with glutamic acid, which is acidic and polar, at codon 229 of the FGD4 protein (p.Asp229Glu). This variant is present in population databases (rs765738675, gnomAD 0.04%). This variant has not been reported in the literature in individuals affected with FGD4-related conditions. Algorithms developed to predict the effect of missense changes on protein structure and function are either unavailable or do not agree on the potential impact of this missense change (SIFT: "Deleterious"; PolyPhen-2: "Not Available"; Align-GVGD: "Class C35").